The following is an entry in ClinVar:

ClinVar aggregate classification (germline): Benign/Likely benign. Review status: criteria provided, multiple submitters, no conflicts (2 of 4 stars). 15 submissions from 13 submitters: Benign (8); Likely benign (2). 5 of the submissions do not count toward it. Last evaluated 2026-02-03.

Conditions:
Neuropathy, hereditary sensory and autonomic, type 2A (HSAN2A). Also called: WNK1-Related HSAN2 (HSAN2A); NEUROPATHY, CONGENITAL SENSORY; NEUROPATHY, HEREDITARY SENSORY RADICULAR, AUTOSOMAL RECESSIVE; NEUROPATHY, HEREDITARY SENSORY, TYPE IIA; NEUROPATHY, PROGRESSIVE SENSORY, OF CHILDREN; HSAN IIA. Identifiers: Orphanet 970, MedGen C2752089, MONDO:0024309, OMIM 201300.
Generalized epilepsy with febrile seizures plus, type 7 (GEFSP7). Also called: GEFS+, TYPE 7. Identifiers: Orphanet 36387, MedGen C2751778, MONDO:0013470, OMIM 613863.
Primary erythromelalgia. Also called: SCN9A Erythromelalgia (SCN9A-EM); primary erythermalgia. Identifiers: Orphanet 306577, Orphanet 90026, MedGen C0014805, MONDO:0007571, OMIM 133020.
Channelopathy-associated congenital insensitivity to pain, autosomal recessive. Also called: Insensitivity to pain, channelopathy-associated; ASYMBOLIA FOR PAIN; CONGENITAL ANALGESIA, AUTOSOMAL RECESSIVE. Identifiers: Orphanet 88642, Orphanet 970, MedGen C1855739, MONDO:0009459, OMIM 243000.
Paroxysmal extreme pain disorder (PEXPD). Also called: SCN9A Paroxysmal Extreme Pain Disorder (SCN9A-PEPD); PAIN, SUBMANDIBULAR, OCULAR, AND RECTAL, WITH FLUSHING; RECTAL PAIN, FAMILIAL. Identifiers: Orphanet 46348, MedGen C1833661, MONDO:0008179, OMIM 167400.

Allele frequency attached by ClinVar (database versions not stated): gnomAD exomes 0.01517; ExAC 0.01689; gnomAD 0.04164 and 0.04393; ESP Exome Variant Server 0.04266; TOPMed 0.04548; 1000 Genomes Project 0.04593; 1000 Genomes Project 30x 0.04716.
gnomAD v4.1: 17,621 of 1,613,832 alleles (1.1%); highest among the groups gnomAD compares: African/African-American, 13%; 758 homozygotes.

Submissions (15):

Labcorp Genetics (formerly Invitae), Labcorp
Classification: Benign for Neuropathy, hereditary sensory and autonomic, type 2A; Generalized epilepsy with febrile seizures plus, type 7. Last evaluated: 2026-02-03. Review status: criteria provided, single submitter. Criteria: Invitae Variant Classification Sherloc (09022015). Collection method: clinical testing. Allele origin: germline.

ARUP Laboratories, Molecular Genetics and Genomics, ARUP Laboratories
Classification: Benign. Last evaluated: 2025-05-22. Review status: criteria provided, single submitter. Criteria: ARUP Molecular Germline Variant Investigation Process 2024. Collection method: clinical testing. Allele origin: germline.

Illumina Laboratory Services, Illumina
Classification: Benign for Paroxysmal extreme pain disorder. Last evaluated: 2017-04-27. Review status: criteria provided, single submitter. Criteria: ICSL Variant Classification Criteria 13 December 2019. Collection method: clinical testing. Allele origin: germline.
Comment: This variant was observed as part of a predisposition screen in an ostensibly healthy population. A literature search was performed for the gene, cDNA change, and amino acid change (where applicable). No publications were found based on this search. Allele frequency data from public databases was too high to be consistent with this variant causing disease. Therefore, this variant is classified as benign.

Illumina Laboratory Services, Illumina
Classification: Benign for Primary erythromelalgia. Last evaluated: 2017-04-27. Review status: criteria provided, single submitter. Criteria: ICSL Variant Classification Criteria 13 December 2019. Collection method: clinical testing. Allele origin: germline.
Comment: the same text as in the submission from Illumina Laboratory Services, Illumina above.

Illumina Laboratory Services, Illumina
Classification: Benign for Channelopathy-associated congenital insensitivity to pain, autosomal recessive. Last evaluated: 2017-04-27. Review status: criteria provided, single submitter. Criteria: ICSL Variant Classification Criteria 13 December 2019. Collection method: clinical testing. Allele origin: germline.
Comment: the same text as in the submission from Illumina Laboratory Services, Illumina above.

Mayo Clinic Laboratories, Mayo Clinic
Classification: Benign. Last evaluated: 2016-06-23. Review status: criteria provided, single submitter. Criteria: ACMG Guidelines, 2015. Collection method: clinical testing. Allele origin: germline. Observed: 59 variant alleles.

GeneDx
Classification: Benign. Last evaluated: 2015-03-03. Review status: criteria provided, single submitter. Criteria: GeneDx Variant Classification Process June 2021. Collection method: clinical testing. Allele origin: germline. Affected: yes.
Comment: This variant is associated with the following publications: (PMID: 19763161, 27884173)

Eurofins Ntd Llc (ga)
Classification: Benign. Last evaluated: 2014-05-22. Review status: criteria provided, single submitter. Criteria: EGL Classification Definitions 2015. Collection method: clinical testing. Allele origin: germline. Observed: 1 variant allele, 1 heterozygote.

Breakthrough Genomics
Classification: Likely benign. Review status: criteria provided, single submitter. Criteria: ACMG Guidelines, 2015. Collection method: not provided. Allele origin: germline. Inheritance: Autosomal recessive inheritance. Affected: yes.

PreventionGenetics, part of Exact Sciences
Classification: Likely benign. Review status: criteria provided, single submitter. Criteria: ACMG Guidelines, 2015. Collection method: clinical testing. Allele origin: germline.

Clinical Genetics, Academic Medical Center
Classification: Benign. Review status: no assertion criteria provided. Collection method: clinical testing. Allele origin: germline. Affected: yes. Study: VKGL Data-share Consensus. Not counted in ClinVar's aggregate classification.

Diagnostic Laboratory, Department of Genetics, University Medical Center Groningen
Classification: Benign. Review status: no assertion criteria provided. Collection method: clinical testing. Allele origin: germline. Affected: yes. Study: VKGL Data-share Consensus. Not counted in ClinVar's aggregate classification.

Genetic Services Laboratory, University of Chicago
Classification: Likely benign for AllHighlyPenetrant. Review status: no assertion criteria provided. Collection method: clinical testing. Allele origin: germline. Inheritance: Autosomal dominant inheritance. Not counted in ClinVar's aggregate classification.
Comment: Likely benign based on allele frequency in 1000 Genomes Project or ESP global frequency and its presence in a patient with a rare or unrelated disease phenotype. NOT Sanger confirmed.

Genome Diagnostics Laboratory, University Medical Center Utrecht
Classification: Benign. Review status: no assertion criteria provided. Collection method: clinical testing. Allele origin: germline. Affected: yes. Study: VKGL Data-share Consensus. Not counted in ClinVar's aggregate classification.

Joint Genome Diagnostic Labs from Nijmegen and Maastricht, Radboudumc and MUMC+
Classification: Benign. Review status: no assertion criteria provided. Collection method: clinical testing. Allele origin: germline. Affected: yes. Study: VKGL Data-share Consensus. Not counted in ClinVar's aggregate classification.

NM_001365536.1(SCN9A):c.1469G>A (p.Ser490Asn)

Genes: SCN1A-AS1 (SCN1A and SCN9A antisense RNA 1; plus strand), SCN9A (sodium voltage-gated channel alpha subunit 9; minus strand). Cytogenetic location: 2q24.3.
Variant type: single nucleotide variant.
Coding change: c.1469G>A on transcript NM_001365536.1 (MANE Select); coding-DNA position 1469, G replaced by A.
Protein change: p.Ser490Asn; replaces serine 490 with asparagine.
Molecular consequence: missense variant.
Genome position (GRCh38, 1-based): chr2:166,286,469, C>T on the plus strand (G>A on the coding strand, the complement: SCN9A is on the minus strand). VCF-style: chr2-166286469-C-T. GRCh37 (hg19) VCF-style: chr2-167142979-C-T.
Other names: c.1469G>A, p.Ser490Asn (NM_002977.4); short protein forms S490N.
Identifiers: ClinVar variation 130258 (VCV000130258.43), dbSNP rs58022607, ClinGen allele CA155113.